The following is an entry in ClinVar:

ClinVar aggregate classification (germline): Pathogenic (1 of 4 stars; one submission).

Conditions:
Fanconi anemia (FA). Also called: Fanconi's anemia. Identifiers: Orphanet 84, MedGen C0015625, MeSH D005199, MONDO:0019391.

Submission:

Labcorp Genetics (formerly Invitae), Labcorp
Classification: Pathogenic for Fanconi anemia. Last evaluated: 2024-05-13. Review status: criteria provided, single submitter. Criteria: Invitae Variant Classification Sherloc (09022015). Collection method: clinical testing. Allele origin: germline.
Comment: This sequence change creates a premature translational stop signal (p.Trp677Glyfs*26) in the FANCI gene. It is expected to result in an absent or disrupted protein product. Loss-of-function variants in FANCI are known to be pathogenic (PMID: 17452773, 17460694). This variant is not present in population databases (gnomAD no frequency). This variant has not been reported in the literature in individuals affected with FANCI-related conditions. ClinVar contains an entry for this variant (Variation ID: 1454119). For these reasons, this variant has been classified as Pathogenic.

Literature cited by the submitters: PubMed 17452773; PubMed 17460694.

NM_001113378.2(FANCI):c.2029del (p.Trp677fs)

Gene: FANCI (FA complementation group I; plus strand). Cytogenetic location: 15q26.1.
Variant type: Deletion.
Coding change: c.2029del on transcript NM_001113378.2 (MANE Select); coding-DNA position 2029, one base deleted (T; older notation c.2029delT).
Protein change: p.Trp677fs; shifts the reading frame from tryptophan 677.
Molecular consequence: frameshift variant.
Genome position (GRCh38, 1-based): chr15:89,292,724, T deleted. VCF-style (leftmost placement, unchanged base first): chr15-89292723-CT-C. GRCh37 (hg19) VCF-style: chr15-89835954-CT-C.
Other names: c.1750del, p.Trp584fs (NM_001376910.1); c.2029del, p.Trp677fs (NM_001376911.1, NM_018193.3); short protein forms W584fs, W677fs.
Identifiers: ClinVar variation 1454119 (VCV001454119.6), dbSNP rs2151724213, ClinGen allele CA2573151348.